The following is an entry in ClinVar:

NM_016333.4(SRRM2):c.4793C>T (p.Ser1598Phe)

Gene: SRRM2 (serine/arginine repetitive matrix 2; plus strand). Cytogenetic location: 16p13.3.
Variant type: single nucleotide variant.
Coding change: c.4793C>T on transcript NM_016333.4 (MANE Select); coding-DNA position 4793, C replaced by T.
Protein change: p.Ser1598Phe; replaces serine 1598 with phenylalanine.
Molecular consequence: missense variant.
Genome position (GRCh38, 1-based): chr16:2,765,321, C>T. VCF-style: chr16-2765321-C-T. GRCh37 (hg19) VCF-style: chr16-2815322-C-T.
Other names: short protein forms S1598F.
Identifiers: ClinVar variation 2504844 (VCV002504844.1), dbSNP rs1237626686, ClinGen allele CA394420666.

ClinVar aggregate classification (germline): Uncertain significance (1 of 4 stars; one submission).

Allele frequency attached by ClinVar (database versions not stated): TOPMed 0.00001.

Submission:

GeneDx
Classification: Uncertain significance. Last evaluated: 2022-12-08. Review status: criteria provided, single submitter. Criteria: GeneDx Variant Classification Process June 2021. Collection method: clinical testing. Allele origin: germline. Affected: yes.
Comment: Not observed at significant frequency in large population cohorts (gnomAD); In silico analysis supports that this missense variant does not alter protein structure/function; Has not been previously published as pathogenic or benign to our knowledge